The following is an entry in ClinVar:

ClinVar aggregate classification (germline): Pathogenic (1 of 4 stars; one submission).

Submission:

GeneDx
Classification: Pathogenic. Last evaluated: 2020-08-28. Review status: criteria provided, single submitter. Criteria: GeneDx Variant Classification Process June 2021. Collection method: clinical testing. Allele origin: germline. Affected: yes.
Comment: Frameshift variant in the C-terminus predicted to result in protein truncation, as the last 71 amino acids are lost and replaced with 46 incorrect amino acids; Not observed in large population cohorts (Lek et al., 2016); Has not been previously published as pathogenic or benign to our knowledge

NM_005321.3(H1-4):c.443dup (p.Lys149fs)

Gene: H1-4 (H1.4 linker histone, cluster member; plus strand). Cytogenetic location: 6p22.2.
Variant type: Duplication.
Coding change: c.443dup on transcript NM_005321.3 (MANE Select); coding-DNA position 443, one base duplicated (A; older notation c.443dupA).
Protein change: p.Lys149fs; shifts the reading frame from lysine 149.
Molecular consequence: frameshift variant.
Genome position (GRCh38, 1-based): chr6:26,156,833, A duplicated; the last of 2 consecutive A bases (chr6:26,156,832-26,156,833); duplicating either gives the same sequence. VCF-style (leftmost placement, unchanged base first): chr6-26156831-C-CA. GRCh37 (hg19) VCF-style: chr6-26157059-C-CA.
Other names: short protein forms K149fs.
Identifiers: ClinVar variation 1191465 (VCV001191465.2), dbSNP rs2113827110, ClinGen allele CA2499218199.
Genomic context (GRCh38, chr6:26,156,831, plus strand): 5'-GGCCAAGAAGCCAGCAGGAGCGGCGAAGAAGCCCAAGAAGGCGACGGGGGCGGCCACCCC[C>CA]AAGAAGAGCGCCAAGAAGACCCCAAAGAAGGCGAAGAAGCCGGCTGCAGCTGCTGGAGCC-3'